The following is an entry in ClinVar:

ClinVar aggregate classification (germline): Likely benign. Review status: criteria provided, multiple submitters, no conflicts (2 of 4 stars). 2 submissions from 2 submitters: Likely benign (2). Last evaluated 2026-01-12.

Allele frequency attached by ClinVar (database versions not stated): ExAC 0.00001; gnomAD exomes 0.00001 and 0.00002; gnomAD 0.00006 and 0.00007; TOPMed 0.00006; ESP Exome Variant Server 0.00008; 1000 Genomes Project 0.00020; 1000 Genomes Project 30x 0.00031.
gnomAD v4.1: 38 of 1,612,592 alleles (0.0024%); highest among the groups gnomAD compares: Admixed American, 0.02%; no homozygotes.

Submissions (2):

Labcorp Genetics (formerly Invitae), Labcorp
Classification: Likely benign. Last evaluated: 2026-01-12. Review status: criteria provided, single submitter. Criteria: Invitae Variant Classification Sherloc (09022015). Collection method: clinical testing. Allele origin: germline.

CeGaT Center for Human Genetics Tuebingen
Classification: Likely benign. Last evaluated: 2023-01-01. Review status: criteria provided, single submitter. Criteria: CeGaT Center For Human Genetics Tuebingen Variant Classification Criteria Version 2. Collection method: clinical testing. Allele origin: germline. Affected: yes. Observed: 1 variant allele.
Comment: MTOR: BP4, BP7

NM_004958.4(MTOR):c.5589G>A (p.Ser1863=)

Gene: MTOR (mechanistic target of rapamycin kinase; minus strand). Cytogenetic location: 1p36.22.
Variant type: single nucleotide variant.
Coding change: c.5589G>A on transcript NM_004958.4 (MANE Select); coding-DNA position 5589, G replaced by A.
Protein change: p.Ser1863=; no amino-acid change (serine 1863 retained).
Molecular consequence: synonymous variant.
Genome position (GRCh38, 1-based): chr1:11,130,553, C>T on the plus strand (G>A on the coding strand, the complement: MTOR is on the minus strand). VCF-style: chr1-11130553-C-T. GRCh37 (hg19) VCF-style: chr1-11190610-C-T.
Other names: c.5589G>A, p.Ser1863= (NM_001386500.1); c.4341G>A, p.Ser1447= (NM_001386501.1).
Identifiers: ClinVar variation 1094313 (VCV001094313.32), dbSNP rs377406262, ClinGen allele CA589300.